The following is an entry in ClinVar:

ClinVar aggregate classification (germline): Uncertain significance. Review status: criteria provided, multiple submitters, no conflicts (2 of 4 stars). 2 submissions from 2 submitters: Uncertain significance (2). Last evaluated 2024-12-24.

Conditions:
Inborn genetic diseases. Identifiers: MedGen C0950123, MeSH D030342.

gnomAD v4.1: 45 of 1,613,772 alleles (0.0028%); highest among the groups gnomAD compares: Non-Finnish European, 0.0036%; no homozygotes.

Submissions (2):

Ambry Genetics
Classification: Uncertain significance for Inborn genetic diseases. Last evaluated: 2024-12-24. Review status: criteria provided, single submitter. Criteria: Ambry Variant Classification Scheme 2023. Collection method: clinical testing. Allele origin: germline.

GeneDx
Classification: Uncertain significance. Last evaluated: 2023-11-25. Review status: criteria provided, single submitter. Criteria: GeneDx Variant Classification Process June 2021. Collection method: clinical testing. Allele origin: germline. Affected: yes.
Comment: Not observed at significant frequency in large population cohorts (gnomAD); In silico analysis supports that this missense variant does not alter protein structure/function; Has not been previously published as pathogenic or benign to our knowledge

NM_003922.4(HERC1):c.11812G>A (p.Glu3938Lys)

Gene: HERC1 (HECT and RLD domain containing E3 ubiquitin protein ligase family member 1; minus strand). Cytogenetic location: 15q22.31.
Variant type: single nucleotide variant.
Coding change: c.11812G>A on transcript NM_003922.4 (MANE Select); coding-DNA position 11812, G replaced by A.
Protein change: p.Glu3938Lys; replaces glutamic acid 3938 with lysine.
Molecular consequence: missense variant.
Genome position (GRCh38, 1-based): chr15:63,640,241, C>T on the plus strand (G>A on the coding strand, the complement: HERC1 is on the minus strand). VCF-style: chr15-63640241-C-T. GRCh37 (hg19) VCF-style: chr15-63932440-C-T.
Other names: short protein forms E3938K.
Identifiers: ClinVar variation 3364641 (VCV003364641.2).